The following continues an entry in ClinVar:

NM_000441.2(SLC26A4):c.1229C>T (p.Thr410Met)

Gene: SLC26A4. ClinVar aggregate classification (germline): Pathogenic. Pathogenic (1).

Literature cited by the submitters, continued: PubMed 24338212 (cited by ClinGen Hearing Loss Variant Curation Expert Panel and National Institute of Sensory Organs, National Hospital Organization Tokyo Medical Center); PubMed 25372295 (cited by ClinGen Hearing Loss Variant Curation Expert Panel); PubMed 25394566 (cited by ClinGen Hearing Loss Variant Curation Expert Panel and Natera, Inc.); PubMed 24224479 (cited by 4 submitters); PubMed 11932316 (cited by 6 submitters); PubMed 25468468 (cited by 3 submitters); PubMed 21366435 (cited by ClinGen Hearing Loss Variant Curation Expert Panel); PubMed 12676893 (cited by 3 submitters); PubMed 15811013 (cited by 6 submitters); PubMed 21961810 (cited by 5 submitters); PubMed 39842828 (cited by Department of Otolaryngology Head and Neck Surgery, Hainan Hospital of the Chinese People’s Liberation Army General Hospital); PubMed 34533568 (cited by Department of Otolaryngology Head and Neck Surgery, Hainan Hospital of the Chinese People’s Liberation Army General Hospital); PubMed 31035178 (cited by Otogenetics); PubMed 31599023 (cited by Otogenetics and National Institute of Sensory Organs, National Hospital Organization Tokyo Medical Center); PS3_Supporting: Well-established in vitro and in vivo functional studies supportive of damaging effect on the gene product, with low residual enzymatic activity relative to wild-type reported (PMID: 31599023) (cited by Otogenetics); PM2_Supporting: Maximum gnomAD MAF of 0.0588% in South Asian (SAS) subpopulation (<0.248% threshold) (cited by Otogenetics); PM3_VeryStrong: Variant reported in homozygous state in two affected individuals and in trans with five pathogenic variants in eight individuals affected with Pendred syndrome (PMID: 9618167, 15355436, 15811013, 31035178) (cited by Otogenetics); PM5: Pathogenic missense amino acid changes occur in same position: c.1229C>A p.Thr410Lys (PMID: 31599023) (cited by Otogenetics); PP1_Strong: Cosegregation with disease in multiple affected family members (PMID: 15811013) (cited by Otogenetics); PP3: In-silico models predict deleterious effect (Revel = 0.91, BayesDel = 0.5) (cited by Otogenetics); PP4: Variant reported in patient with highly specific phenotype for disease fitting (PMID: 9618167, 15811013) (cited by Otogenetics); PubMed 10700480 (cited by Genetics Research Center, University of Social Welfare and Rehabilitation Sciences and Laboratory for Molecular Medicine, Mass General Brigham Personalized Medicine); PubMed 11317356 (cited by Genetics Research Center, University of Social Welfare and Rehabilitation Sciences and Laboratory for Molecular Medicine, Mass General Brigham Personalized Medicine); PubMed 11919333 (cited by 6 submitters); PubMed 16570074 (cited by Genetics Research Center, University of Social Welfare and Rehabilitation Sciences and Laboratory for Molecular Medicine, Mass General Brigham Personalized Medicine); PubMed 19040761 (cited by Genetics Research Center, University of Social Welfare and Rehabilitation Sciences and Laboratory for Molecular Medicine, Mass General Brigham Personalized Medicine); PubMed 16950989 (cited by Genetics Research Center, University of Social Welfare and Rehabilitation Sciences and Laboratory for Molecular Medicine, Mass General Brigham Personalized Medicine); PubMed 16283880 (cited by 3 submitters); PubMed 12112665 (cited by Genetics Research Center, University of Social Welfare and Rehabilitation Sciences and Laboratory for Molecular Medicine, Mass General Brigham Personalized Medicine); PubMed 15747138 (cited by Genetics Research Center, University of Social Welfare and Rehabilitation Sciences and Laboratory for Molecular Medicine, Mass General Brigham Personalized Medicine); PubMed 17718863 (cited by Genetics Research Center, University of Social Welfare and Rehabilitation Sciences and Laboratory for Molecular Medicine, Mass General Brigham Personalized Medicine); PubMed 15933521 (cited by Genetics Research Center, University of Social Welfare and Rehabilitation Sciences and Laboratory for Molecular Medicine, Mass General Brigham Personalized Medicine); PubMed 35207372 (cited by Natera, Inc.); PubMed 31581539 (cited by Women's Health and Genetics/Laboratory Corporation of America, LabCorp); PubMed 9618166 (cited by National Institute of Sensory Organs, National Hospital Organization Tokyo Medical Center); PubMed 16711435 (cited by National Institute of Sensory Organs, National Hospital Organization Tokyo Medical Center); PubMed 20842945 (cited by National Institute of Sensory Organs, National Hospital Organization Tokyo Medical Center); PubMed 25266519 (cited by National Institute of Sensory Organs, National Hospital Organization Tokyo Medical Center); PubMed 26763877 (cited by National Institute of Sensory Organs, National Hospital Organization Tokyo Medical Center); PubMed 27771369 (cited by National Institute of Sensory Organs, National Hospital Organization Tokyo Medical Center); PubMed 28964290 (cited by National Institute of Sensory Organs, National Hospital Organization Tokyo Medical Center); PubMed 29372807 (cited by National Institute of Sensory Organs, National Hospital Organization Tokyo Medical Center); PubMed 28604962 (cited by National Institute of Sensory Organs, National Hospital Organization Tokyo Medical Center); PubMed 30622556 (cited by National Institute of Sensory Organs, National Hospital Organization Tokyo Medical Center); PubMed 30693673 (cited by National Institute of Sensory Organs, National Hospital Organization Tokyo Medical Center); PubMed 30303587 (cited by University of Washington Center for Mendelian Genomics, University of Washington).